The following is an entry in ClinVar:

ClinVar aggregate classification (germline): Benign (1 of 4 stars; one submission).

Conditions:
Tyrosinemia type II (TYRSN2). Also called: KERATOSIS PALMOPLANTARIS WITH CORNEAL DYSTROPHY; OREGON TYPE TYROSINEMIA; TAT DEFICIENCY; TYROSINE AMINOTRANSFERASE DEFICIENCY; TYROSINE TRANSAMINASE DEFICIENCY. Identifiers: Orphanet 28378, MedGen C0268487, MONDO:0010160, OMIM 276600.

Allele frequency attached by ClinVar (database versions not stated): gnomAD 0.00887 and 0.00941; 1000 Genomes Project 0.00938; TOPMed 0.00949.

Submission:

Illumina Laboratory Services, Illumina
Classification: Benign for Tyrosinemia type II. Last evaluated: 2018-01-13. Review status: criteria provided, single submitter. Criteria: ICSL Variant Classification Criteria 13 December 2019. Collection method: clinical testing. Allele origin: germline.
Comment: This variant was observed in the ICSL laboratory as part of a predisposition screen in an ostensibly healthy population. It had not been previously curated by ICSL or reported in the Human Gene Mutation Database (HGMD: prior to June 1st, 2018), and was therefore a candidate for classification through an automated scoring system. Utilizing variant allele frequency, disease prevalence and penetrance estimates, and inheritance mode, an automated score was calculated to assess if this variant is too frequent to cause the disease. Based on the score and internal cut-off values, a variant classified as benign is not then subjected to further curation. The score for this variant resulted in a classification of benign for this disease.

NM_000353.3(TAT):c.*1276T>A

Genes: TAT (tyrosine aminotransferase; minus strand), TAT-AS1 (TAT antisense RNA 1; plus strand). Cytogenetic location: 16q22.2.
Variant type: single nucleotide variant.
Coding change: c.*1276T>A on transcript NM_000353.3 (MANE Select); 1276 bases downstream of the stop codon, T replaced by A.
Molecular consequence: 3 prime UTR variant.
Genome position (GRCh38, 1-based): chr16:71,566,868, A>T on the plus strand (T>A on the coding strand, the complement: TAT is on the minus strand). VCF-style: chr16-71566868-A-T. GRCh37 (hg19) VCF-style: chr16-71600771-A-T.
Identifiers: ClinVar variation 320386 (VCV000320386.5), dbSNP rs75855289, ClinGen allele CA10648025.
Genomic context (GRCh38, chr16:71,566,868, plus strand): 5'-GAAATTCCCAAACGGAGAAAAAAACACATCACAGAAGAGCCATACTTGGTGAAATTTATT[A>T]AAAAAAAAAAAAGAAAAACAATAATTTATGCCCTTGGCAAAATAAAAGATCTTATCAATA-3'